The following is an entry in ClinVar:

ClinVar aggregate classification (germline): Uncertain significance (1 of 4 stars; one submission).

Conditions:
Hereditary cancer-predisposing syndrome. Also called: Tumor predisposition; Hereditary Cancer Syndrome; Neoplastic Syndromes, Hereditary; Hereditary neoplastic syndrome. Identifiers: Orphanet 140162, MedGen C0027672, MeSH D009386, MONDO:0015356.

Submission:

Ambry Genetics
Classification: Uncertain significance for Hereditary cancer-predisposing syndrome. Last evaluated: 2022-09-28. Review status: criteria provided, single submitter. Criteria: Ambry Variant Classification Scheme 2023. Collection method: clinical testing. Allele origin: germline.
Comment: The p.V888M variant (also known as c.2662G>A), located in coding exon 16 of the PTCH1 gene, results from a G to A substitution at nucleotide position 2662. The valine at codon 888 is replaced by methionine, an amino acid with highly similar properties. This amino acid position is conserved. In addition, this alteration is predicted to be deleterious by in silico analysis. Since supporting evidence is limited at this time, the clinical significance of this alteration remains unclear.

NM_000264.5(PTCH1):c.2662G>A (p.Val888Met)

Gene: PTCH1 (patched 1; minus strand). Cytogenetic location: 9q22.32.
Variant type: single nucleotide variant.
Coding change: c.2662G>A on transcript NM_000264.5 (MANE Select); coding-DNA position 2662, G replaced by A.
Protein change: p.Val888Met; replaces valine 888 with methionine.
Molecular consequence: missense variant. On other transcripts: non-coding transcript variant (1).
Genome position (GRCh38, 1-based): chr9:95,461,897, C>T on the plus strand (G>A on the coding strand, the complement: PTCH1 is on the minus strand). VCF-style: chr9-95461897-C-T. GRCh37 (hg19) VCF-style: chr9-98224179-C-T.
Other names: c.2464G>A, p.Val822Met (NM_001083602.3); c.2659G>A, p.Val887Met (NM_001083603.3); c.2209G>A, p.Val737Met (NM_001083604.3, NM_001083605.3, NM_001083606.3 and 1 more transcripts); c.2506G>A, p.Val836Met (NM_001354918.2); short protein forms V888M, V822M, V887M, V737M, V836M.
Identifiers: ClinVar variation 1794463 (VCV001794463.2), dbSNP rs2136687706, ClinGen allele CA374113363.